The following is an entry in ClinVar:

NM_016239.4(MYO15A):c.6604dup (p.Ala2202fs)

Gene: MYO15A (myosin XVA; plus strand). Cytogenetic location: 17p11.2.
Variant type: Duplication.
Coding change: c.6604dup on transcript NM_016239.4 (MANE Select); coding-DNA position 6604, one base duplicated (G; older notation c.6604dupG).
Protein change: p.Ala2202fs; shifts the reading frame from alanine 2202.
Molecular consequence: frameshift variant.
Genome position (GRCh38, 1-based): chr17:18,148,123, G duplicated; the last of 5 consecutive G bases (chr17:18,148,119-18,148,123); duplicating any one gives the same sequence. VCF-style (leftmost placement, unchanged base first): chr17-18148118-C-CG. GRCh37 (hg19) VCF-style: chr17-18051432-C-CG.
Other names: short protein forms A2202fs.
Identifiers: ClinVar variation 3601375 (VCV003601375.1).

ClinVar aggregate classification (germline): Pathogenic (1 of 4 stars; one submission).

Conditions:
Autosomal recessive nonsyndromic hearing loss 3. Also called: NEUROSENSORY NONSYNDROMIC RECESSIVE DEAFNESS 3. Identifiers: Orphanet 90636, MedGen C1838263, MONDO:0010860, OMIM 600316.

Submission:

Institute of Rare Diseases, West China Hospital, Sichuan University
Classification: Pathogenic for Autosomal recessive nonsyndromic hearing loss 3. Last evaluated: 2025-01-09. Review status: criteria provided, single submitter. Criteria: ClinGen HL ACMG Specifications v1. Collection method: research. Allele origin: germline. Affected: yes.
Comment: PVS1;PM3;PM2_Supporting